The following is an entry in ClinVar:

ClinVar aggregate classification (germline): Conflicting classifications of pathogenicity. Review status: criteria provided, conflicting classifications (1 of 4 stars). 9 submissions from 7 submitters: Uncertain significance (4); Benign (2); Likely benign (3). Last evaluated 2026-01-19.

Conditions:
Neuropathy, hereditary sensory and autonomic, type 2A (HSAN2A). Also called: ACROOSTEOLYSIS, GIACCAI TYPE; ACROOSTEOLYSIS, NEUROGENIC; HSAN IIA; MORVAN DISEASE; NEUROPATHY, CONGENITAL SENSORY; NEUROPATHY, HEREDITARY SENSORY RADICULAR, AUTOSOMAL RECESSIVE. Identifiers: Orphanet 970, MedGen C2752089, MONDO:0024309, OMIM 201300.
Generalized epilepsy with febrile seizures plus, type 7 (GEFSP7). Also called: GEFS+, TYPE 7. Identifiers: Orphanet 36387, MedGen C2751778, MONDO:0013470, OMIM 613863.
Inborn genetic diseases. Identifiers: MedGen C0950123, MeSH D030342.
Paroxysmal extreme pain disorder (PEXPD). Also called: PAIN, SUBMANDIBULAR, OCULAR, AND RECTAL, WITH FLUSHING; RECTAL PAIN, FAMILIAL; SCN9A Paroxysmal Extreme Pain Disorder (SCN9A-PEPD). Identifiers: Orphanet 46348, MedGen C1833661, MONDO:0008179, OMIM 167400.
Channelopathy-associated congenital insensitivity to pain, autosomal recessive. Also called: ASYMBOLIA FOR PAIN; CONGENITAL ANALGESIA, AUTOSOMAL RECESSIVE; Insensitivity to pain, channelopathy-associated. Identifiers: Orphanet 88642, Orphanet 970, MedGen C1855739, MONDO:0009459, OMIM 243000.
Primary erythromelalgia. Also called: SCN9A Erythromelalgia (SCN9A-EM); primary erythermalgia. Identifiers: Orphanet 306577, Orphanet 90026, MedGen C0014805, MONDO:0007571, OMIM 133020.

Allele frequency attached by ClinVar (database versions not stated): gnomAD 0.00006 and 0.00009; ESP Exome Variant Server 0.00008; TOPMed 0.00009; 1000 Genomes Project 0.00020; gnomAD exomes 0.00023 and 0.00028; ExAC 0.00027; 1000 Genomes Project 30x 0.00031.
gnomAD v4.1: 355 of 1,613,210 alleles (0.022%); highest among the groups gnomAD compares: Middle Eastern, 0.083%; 2 homozygotes.

Submissions (9):

Labcorp Genetics (formerly Invitae), Labcorp
Classification: Likely benign for Neuropathy, hereditary sensory and autonomic, type 2A; Generalized epilepsy with febrile seizures plus, type 7. Last evaluated: 2026-01-19. Review status: criteria provided, single submitter. Criteria: Invitae Variant Classification Sherloc (09022015). Collection method: clinical testing. Allele origin: germline.

Women's Health and Genetics/Laboratory Corporation of America, LabCorp
Classification: Likely benign. Last evaluated: 2025-09-17. Review status: criteria provided, single submitter. Criteria: LabCorp Variant Classification Summary - May 2015. Collection method: clinical testing. Allele origin: germline.
Comment: Variant summary: SCN9A c.2428G>A (p.Val810Met) results in a conservative amino acid change in the encoded protein sequence. Algorithms developed to predict the effect of missense changes on protein structure and function are either unavailable or do not agree on the potential impact of this missense change. The variant allele was found at a frequency of 0.00025 in 279838 control chromosomes, predominantly at a frequency of 0.0018 within the Ashkenazi Jewish subpopulation in the gnomAD database. The observed variant frequency within Ashkenazi Jewish control individuals in the gnomAD database exceeds the estimated maximal expected allele frequency for disease-causing variants in SCN9A. c.2428G>A has been observed in an individual affected with diffuse neuropathic pain who also had a variant in SCN5A (example: Adi_2018). These report(s) do not provide unequivocal conclusions about association of the variant with Channelopathy-Associated Congenital Insensitivity To Pain, Autosomal Recessive. At least one publication reports experimental evidence evaluating an impact on protein function, however, does not allow convincing conclusions about the variant effect (example: Adi_2018). The following publication has been ascertained in the context of this evaluation (PMID: 30392441). ClinVar contains an entry for this variant (Variation ID: 254095). Based on the evidence outlined above, the variant was classified as likely benign.

Ambry Genetics
Classification: Uncertain significance for Inborn genetic diseases. Last evaluated: 2021-04-12. Review status: criteria provided, single submitter. Criteria: Ambry Variant Classification Scheme 2023. Collection method: clinical testing. Allele origin: germline.
Comment: The p.V810M variant (also known as c.2428G>A), located in coding exon 14 of the SCN9A gene, results from a G to A substitution at nucleotide position 2428. The valine at codon 810 is replaced by methionine, an amino acid with highly similar properties. This variant was detected in an individual with a complex Charcot-Marie-Tooth disease phenotype; however, clinical details were limited (Antoniadi T et al. BMC Med Genet, 2015 Sep;16:84). In addition, this variant was detected in an individual with diffuse neuropathic pain who also had a variant in SCN5A; the phase of the variants were not specified, and in vitro functional studies to examine the clinical significance of SCN9A p.V810M were inconclusive (Adi T et al. Mol Pain Nov;14:1744806918815007). This amino acid position is well conserved in available vertebrate species; however, methionine is the reference amino acid in other vertebrate species. In addition, this alteration is predicted to be tolerated by in silico analysis. Based on the supporting evidence, this variant is unlikely to be causative of primary erythermalgia/small fiber neuropathy and paroxysmal extreme pain disorder (PEPD); however, its contribution to the development of congenital insensitivity to pain (CIP) and hereditary sensory autonomic neuropathy type II (HSAN2D) is uncertain.

Revvity Omics, Revvity
Classification: Uncertain significance. Last evaluated: 2021-01-19. Review status: criteria provided, single submitter. Criteria: ACMG Guidelines, 2015. Collection method: clinical testing. Allele origin: germline.

GeneDx
Classification: Likely benign. Last evaluated: 2021-01-08. Review status: criteria provided, single submitter. Criteria: GeneDx Variant Classification Process June 2021. Collection method: clinical testing. Allele origin: germline. Affected: yes.
Comment: This variant is associated with the following publications: (PMID: 30392441, 32773395)

Baylor Genetics
Classification: Uncertain significance for Generalized epilepsy with febrile seizures plus, type 7. Last evaluated: 2019-09-11. Review status: criteria provided, single submitter. Criteria: ACMG Guidelines, 2015. Collection method: clinical testing. Allele origin: unknown. Affected: yes.
Comment: This variant was determined to be of uncertain significance according to ACMG Guidelines, 2015 [PMID:25741868].

Illumina Laboratory Services, Illumina
Classification: Benign for Primary erythromelalgia. Last evaluated: 2018-01-13. Review status: criteria provided, single submitter. Criteria: ICSL Variant Classification Criteria 13 December 2019. Collection method: clinical testing. Allele origin: germline.
Comment: This variant was observed in the ICSL laboratory as part of a predisposition screen in an ostensibly healthy population. It had not been previously curated by ICSL or reported in the Human Gene Mutation Database (HGMD: prior to June 1st, 2018), and was therefore a candidate for classification through an automated scoring system. Utilizing variant allele frequency, disease prevalence and penetrance estimates, and inheritance mode, an automated score was calculated to assess if this variant is too frequent to cause the disease. Based on the score and internal cut-off values, a variant classified as benign is not then subjected to further curation. The score for this variant resulted in a classification of benign for this disease.

Illumina Laboratory Services, Illumina
Classification: Benign for Paroxysmal extreme pain disorder. Last evaluated: 2018-01-13. Review status: criteria provided, single submitter. Criteria: ICSL Variant Classification Criteria 13 December 2019. Collection method: clinical testing. Allele origin: germline.
Comment: the same text as in the submission from Illumina Laboratory Services, Illumina above.

Illumina Laboratory Services, Illumina
Classification: Uncertain significance for Channelopathy-associated congenital insensitivity to pain, autosomal recessive. Last evaluated: 2018-01-13. Review status: criteria provided, single submitter. Criteria: ICSL Variant Classification Criteria 13 December 2019. Collection method: clinical testing. Allele origin: germline.

Literature cited by the submitters: PubMed 30392441 (cited by Women's Health and Genetics/Laboratory Corporation of America, LabCorp and Ambry Genetics); PubMed 26392352 (cited by Ambry Genetics).

NM_001365536.1(SCN9A):c.2461G>A (p.Val821Met)

Genes: SCN9A (sodium voltage-gated channel alpha subunit 9; minus strand), SCN1A-AS1 (SCN1A and SCN9A antisense RNA 1; plus strand). Cytogenetic location: 2q24.3.
Variant type: single nucleotide variant.
Coding change: c.2461G>A on transcript NM_001365536.1 (MANE Select); coding-DNA position 2461, G replaced by A.
Protein change: p.Val821Met; replaces valine 821 with methionine.
Molecular consequence: missense variant.
Genome position (GRCh38, 1-based): chr2:166,278,196, C>T on the plus strand (G>A on the coding strand, the complement: SCN9A is on the minus strand). VCF-style: chr2-166278196-C-T. GRCh37 (hg19) VCF-style: chr2-167134706-C-T.
Other names: c.2428G>A, p.Val810Met (NM_002977.4); short protein forms V810M, V821M.
Identifiers: ClinVar variation 254095 (VCV000254095.24), dbSNP rs41268671, ClinGen allele CA1944268.